The following is an entry in ClinVar:

ClinVar aggregate classification (germline): Pathogenic. Review status: reviewed by expert panel (3 of 4 stars). 6 submissions from 6 submitters: Pathogenic (1). 5 of the submissions do not count toward it. Last evaluated 2016-09-08.

Conditions:
Hereditary breast ovarian cancer syndrome. Also called: Breast and ovarian cancer; Hereditary breast and ovarian cancer syndrome; BRCA1- and BRCA2-Associated Hereditary Breast and Ovarian Cancer; Hereditary breast and ovarian cancer; Hereditary breast and ovarian cancer syndrome (HBOC); Hereditary breast and/or ovarian cancer syndrome. Identifiers: Orphanet 145, MedGen C0677776, MeSH D061325, MONDO:0003582. Disease mechanism: loss of function.
Breast-ovarian cancer, familial, susceptibility to, 2 (BROVCA2). Also called: BRCA2 Hereditary Breast and Ovarian Cancer. Identifiers: Orphanet 145, MedGen C2675520, MONDO:0012933, OMIM 612555. Disease mechanism: loss of function.
Hereditary cancer-predisposing syndrome. Also called: Hereditary Cancer Syndrome; Tumor predisposition; Neoplastic Syndromes, Hereditary; Hereditary neoplastic syndrome. Identifiers: Orphanet 140162, MedGen C0027672, MeSH D009386, MONDO:0015356.
Familial cancer of breast. Also called: hereditary breast carcinoma; BREAST CANCER, FAMILIAL; Hereditary breast cancer. Identifiers: Orphanet 227535, MedGen C0346153, MONDO:0016419, OMIM 114480. Disease mechanism: loss of function.

Submissions (6):

Evidence-based Network for the Interpretation of Germline Mutant Alleles (ENIGMA)
Classification: Pathogenic for Breast-ovarian cancer, familial, susceptibility to, 2. Last evaluated: 2016-09-08. Review status: reviewed by expert panel. Criteria: ENIGMA BRCA1/2 Classification Criteria (2015). Collection method: curation. Allele origin: germline.
Comment: Variant allele predicted to encode a truncated non-functional protein.

Ambry Genetics
Classification: Pathogenic for Hereditary cancer-predisposing syndrome. Last evaluated: 2023-08-24. Review status: criteria provided, single submitter. Criteria: Ambry Variant Classification Scheme 2023. Collection method: clinical testing. Allele origin: germline. Not counted in ClinVar's aggregate classification.
Comment: The p.Q147* pathogenic mutation (also known as c.439C>T), located in coding exon 4 of the BRCA2 gene, results from a C to T substitution at nucleotide position 439. This changes the amino acid from a glutamine to a stop codon within coding exon 4. This variant has been reported in an individual diagnosed with breast cancer and having a family history of bilateral breast cancer, breast cancer, and ovarian cancer (Sanz DJ et al. Clin Cancer Res, 2010 Mar;16:1957-67). This alteration is expected to result in loss of function by premature protein truncation or nonsense-mediated mRNA decay. As such, this alteration is interpreted as a disease-causing mutation.

Baylor Genetics
Classification: Pathogenic for Familial cancer of breast. Last evaluated: 2023-07-02. Review status: criteria provided, single submitter. Criteria: ACMG Guidelines, 2015. Collection method: clinical testing. Allele origin: unknown. Not counted in ClinVar's aggregate classification.

Women's Health and Genetics/Laboratory Corporation of America, LabCorp
Classification: Pathogenic for Hereditary breast and ovarian cancer syndrome. Last evaluated: 2020-08-19. Review status: criteria provided, single submitter. Criteria: LabCorp Variant Classification Summary - May 2015. Collection method: clinical testing. Allele origin: germline. Not counted in ClinVar's aggregate classification.
Comment: Variant summary: BRCA2 c.439C>T (p.Gln147X) results in a premature termination codon, predicted to cause a truncation of the encoded protein or absence of the protein due to nonsense mediated decay, which are commonly known mechanisms for disease. Truncations downstream of this position have been classified as pathogenic by our laboratory. At least one publication reports experimental evidence that this variant affects mRNA splicing, resulting in exon 5 removal (Sanz_2010). The variant was absent in 250964 control chromosomes. c.439C>T has been reported in the literature in individuals affected with Hereditary Breast and Ovarian Cancer (Infante_2006, Rebbeck_2018, Sun_2017, Bhaskaran_2019). Two clinical diagnostic laboratories have submitted clinical-significance assessments for this variant to ClinVar after 2014 without evidence for independent evaluation. All laboratories classified the variant as pathogenic. Based on the evidence outlined above, the variant was classified as pathogenic.

Consortium of Investigators of Modifiers of BRCA1/2 (CIMBA), c/o University of Cambridge
Classification: Pathogenic for Breast-ovarian cancer, familial, susceptibility to, 2. Last evaluated: 2015-10-02. Review status: criteria provided, single submitter. Criteria: CIMBA Mutation Classification guidelines May 2016. Collection method: clinical testing. Allele origin: germline. Not counted in ClinVar's aggregate classification.

Genesis Genomics
Classification: Pathogenic for Breast-ovarian cancer, familial, susceptibility to, 2. Review status: criteria provided, single submitter. Criteria: ACMG Guidelines, 2015. Collection method: clinical testing. Allele origin: germline. Affected: yes. Observed: 1 variant allele. Not counted in ClinVar's aggregate classification.

Literature cited by the submitters: PubMed 20215541 (cited by Ambry Genetics and Women's Health and Genetics/Laboratory Corporation of America, LabCorp); PubMed 16758124 (cited by Women's Health and Genetics/Laboratory Corporation of America, LabCorp); PubMed 29446198 (cited by Women's Health and Genetics/Laboratory Corporation of America, LabCorp); PubMed 28724667 (cited by Women's Health and Genetics/Laboratory Corporation of America, LabCorp); PubMed 30702160 (cited by Women's Health and Genetics/Laboratory Corporation of America, LabCorp).

NM_000059.4(BRCA2):c.439C>T (p.Gln147Ter)

Gene: BRCA2 (BRCA2 DNA repair associated; plus strand). Cytogenetic location: 13q13.1.
Variant type: single nucleotide variant.
Coding change: c.439C>T on transcript NM_000059.4 (MANE Select); coding-DNA position 439, C replaced by T.
Protein change: p.Gln147Ter; replaces glutamine 147 with a stop codon.
Molecular consequence: nonsense.
Genome position (GRCh38, 1-based): chr13:32,326,114, C>T. VCF-style: chr13-32326114-C-T. GRCh37 (hg19) VCF-style: chr13-32900251-C-T.
Other names: short protein forms Q147*.
Identifiers: ClinVar variation 51641 (VCV000051641.10), dbSNP rs397507717, ClinGen allele CA020093.
Genomic context (GRCh38, chr13:32,326,114, plus strand): 5'-GCCAGTTTTTTAAAATAACCTAAGGGATTTGCTTTGTTTTATTTTAGTCCTGTTGTTCTA[C>T]AATGTACACATGTAACACCACAAAGAGATAAGTCAGGTATGATTAAAAACAATGCTTTTT-3'